The following is an entry in ClinVar:

ClinVar aggregate classification (germline): Uncertain significance (1 of 4 stars; one submission).

Conditions:
Aicardi-Goutieres syndrome 7 (AGS7). Identifiers: Orphanet 51, MedGen C3888244, MONDO:0014367, OMIM 615846.
Singleton-Merten syndrome 1 (SGMRT1). Also called: Widened medullary cavities of bone, aortic calcification, abnormal dentition, and muscular weakness; Syndrome of widened medullary cavities of the metacarpals and phalanges, aortic calcification and abnormal dentition. Identifiers: Orphanet 85191, MedGen C4225427, MONDO:0024535, OMIM 182250.

gnomAD v4.1: 3 of 1,613,088 alleles (0.00019%); highest among the groups gnomAD compares: Non-Finnish European, 0.00025%; no homozygotes.

Submission:

Labcorp Genetics (formerly Invitae), Labcorp
Classification: Uncertain significance for Aicardi-Goutieres syndrome 7; Singleton-Merten syndrome 1. Last evaluated: 2025-04-10. Review status: criteria provided, single submitter. Criteria: Invitae Variant Classification Sherloc (09022015). Collection method: clinical testing. Allele origin: germline.
Comment: This sequence change replaces glutamic acid, which is acidic and polar, with glutamine, which is neutral and polar, at codon 844 of the IFIH1 protein (p.Glu844Gln). This variant is not present in population databases (gnomAD no frequency). This variant has not been reported in the literature in individuals affected with IFIH1-related conditions. ClinVar contains an entry for this variant (Variation ID: 2937356). Invitae Evidence Modeling of protein sequence and biophysical properties (such as structural, functional, and spatial information, amino acid conservation, physicochemical variation, residue mobility, and thermodynamic stability) has been performed for this missense variant. However, the output from this modeling did not meet the statistical confidence thresholds required to predict the impact of this variant on IFIH1 protein function. In summary, the available evidence is currently insufficient to determine the role of this variant in disease. Therefore, it has been classified as a Variant of Uncertain Significance.

NM_022168.4(IFIH1):c.2530G>C (p.Glu844Gln)

Gene: IFIH1 (interferon induced with helicase C domain 1; minus strand). Cytogenetic location: 2q24.2.
Variant type: single nucleotide variant.
Coding change: c.2530G>C on transcript NM_022168.4 (MANE Select); coding-DNA position 2530, G replaced by C.
Protein change: p.Glu844Gln; replaces glutamic acid 844 with glutamine.
Molecular consequence: missense variant.
Genome position (GRCh38, 1-based): chr2:162,272,312, C>G on the plus strand (G>C on the coding strand, the complement: IFIH1 is on the minus strand). VCF-style: chr2-162272312-C-G. GRCh37 (hg19) VCF-style: chr2-163128822-C-G.
Other names: short protein forms E844Q.
Identifiers: ClinVar variation 2937356 (VCV002937356.3), dbSNP rs1559810351, ClinGen allele CA348994264.